The following is an entry in ClinVar:

ClinVar aggregate classification (germline): Likely benign (1 of 4 stars; one submission).

gnomAD v4.1: 2 of 1,592,960 alleles (0.00013%); highest among the groups gnomAD compares: Non-Finnish European, 0.00017%; no homozygotes.

Submission:

CeGaT Center for Human Genetics Tuebingen
Classification: Likely benign. Last evaluated: 2022-11-01. Review status: criteria provided, single submitter. Criteria: CeGaT Center For Human Genetics Tuebingen Variant Classification Criteria Version 2. Collection method: clinical testing. Allele origin: germline. Affected: yes. Observed: 1 variant allele.
Comment: CIC: PM2:Supporting, BP4, BP7

NM_001386298.1(CIC):c.7374C>G (p.Pro2458=)

Gene: CIC (capicua transcriptional repressor; plus strand). Cytogenetic location: 19q13.2.
Variant type: single nucleotide variant.
Coding change: c.7374C>G on transcript NM_001386298.1 (MANE Select); coding-DNA position 7374, C replaced by G.
Protein change: p.Pro2458=; no amino-acid change (proline 2458 retained).
Molecular consequence: synonymous variant.
Genome position (GRCh38, 1-based): chr19:42,295,011, C>G. VCF-style: chr19-42295011-C-G. GRCh37 (hg19) VCF-style: chr19-42799163-C-G.
Other names: c.7374C>G, p.Pro2458= (NM_001304815.2); c.7371C>G, p.Pro2457= (NM_001379480.1, NM_001379482.1, NM_001379483.1); c.4641C>G, p.Pro1547= (NM_001379484.1); c.4638C>G, p.Pro1546= (NM_001379485.1); c.4647C>G, p.Pro1549= (NM_015125.5).
Identifiers: ClinVar variation 2650018 (VCV002650018.24), dbSNP rs2147357707, ClinGen allele CA507705899.